The following is an entry in ClinVar:

ClinVar aggregate classification (germline): Uncertain significance (1 of 4 stars; one submission).

Conditions:
Familial thoracic aortic aneurysm and aortic dissection (TAAD). Also called: Thoracic aortic aneurysms and dissections. Identifiers: Orphanet 91387, MedGen C4707243, MONDO:0019625.

Allele frequency attached by ClinVar (database versions not stated): ExAC 0.00004.

Submission:

All of Us Research Program, National Institutes of Health
Classification: Uncertain significance for Familial thoracic aortic aneurysm and aortic dissection. Last evaluated: 2023-06-28. Review status: criteria provided, single submitter. Criteria: ACMG Guidelines, 2015. Collection method: clinical testing. Allele origin: germline. Inheritance: Autosomal dominant inheritance. Observed: 1 variant allele, 1 heterozygote.
Comment: This study involves interpretation of variants in research participants for the purpose of population health screening. Participant phenotype was not available at the time of variant classification. Additional details can be found in publication PMID: 35346344, PMCID: PMC8962531

NM_002474.3(MYH11):c.653_654insA (p.Leu219fs)

Gene: MYH11 (myosin heavy chain 11; minus strand). Cytogenetic location: 16p13.11.
Variant type: Insertion.
Coding change: c.653_654insA on transcript NM_002474.3 (MANE Select); coding-DNA positions 653 to 654, A inserted.
Protein change: p.Leu219fs; shifts the reading frame from leucine 219.
Molecular consequence: frameshift variant.
Genome position: GRCh38 VCF-style: chr16-15782457-A-AT. GRCh37 (hg19) VCF-style: chr16-15876314-A-AT.
Other names: c.674_675insA, p.Leu226fs (NM_001040113.2, NM_001040114.2); c.653_654insA, p.Leu219fs (NM_022844.3); short protein forms L219fs, L226fs.
Identifiers: ClinVar variation 3071733 (VCV003071733.1), dbSNP rs778965937, ClinGen allele CA7922857.